The following is an entry in ClinVar:

NM_001371623.1(TCOF1):c.38T>A (p.Leu13Gln)

Genes: TCOF1 (treacle ribosome biogenesis factor 1; plus strand), LOC129994985 (ATAC-STARR-seq lymphoblastoid silent region 16507; plus strand). Cytogenetic location: 5q32.
Variant type: single nucleotide variant.
Coding change: c.38T>A on transcript NM_001371623.1 (MANE Select); coding-DNA position 38, T replaced by A.
Protein change: p.Leu13Gln; replaces leucine 13 with glutamine.
Molecular consequence: missense variant.
Genome position (GRCh38, 1-based): chr5:150,357,784, T>A. VCF-style: chr5-150357784-T-A. GRCh37 (hg19) VCF-style: chr5-149737347-T-A.
Other names: c.38T>A, p.Leu13Gln (NM_000356.4, NM_001008657.3, NM_001135243.2 and 3 more transcripts); short protein forms L13Q.
Identifiers: ClinVar variation 3393866 (VCV003393866.2).
Genomic context (GRCh38, chr5:150,357,784, plus strand): 5'-CCGGCCGGCCGGGGGTCGCGGGTATGGCCGAGGCCAGGAAGCGGCGGGAGCTACTTCCCC[T>A]GATCTACCACCATCTGCTGCGGGCTGGCTATGTGCGTGCGGCGCGGGAAGTGAAGGAGCA-3'
Protein context (NP_001358552.1, residues 3-23): EARKRRELLP[Leu13Gln]IYHHLLRAGY

ClinVar aggregate classification (germline): Likely pathogenic (1 of 4 stars; one submission).

Submission:

GeneDx
Classification: Likely pathogenic. Last evaluated: 2026-10-07. Review status: criteria provided, single submitter. Criteria: GeneDx Variant Classification Process June 2021. Collection method: clinical testing. Allele origin: germline.
Comment: In silico analysis supports that this missense variant has a deleterious effect on protein structure/function; Not observed at significant frequency in large population cohorts (gnomAD); Has not been previously published as pathogenic or benign to our knowledge